The following is an entry in ClinVar:

NM_002386.4(MC1R):c.219G>A (p.Met73Ile)

Gene: MC1R (melanocortin 1 receptor; plus strand). Cytogenetic location: 16q24.3.
Variant type: single nucleotide variant.
Coding change: c.219G>A on transcript NM_002386.4 (MANE Select); coding-DNA position 219, G replaced by A.
Protein change: p.Met73Ile; replaces methionine 73 with isoleucine.
Molecular consequence: missense variant.
Genome position (GRCh38, 1-based): chr16:89,919,477, G>A. VCF-style: chr16-89919477-G-A. GRCh37 (hg19) VCF-style: chr16-89985885-G-A.
Other names: short protein forms M73I.
Identifiers: ClinVar variation 573426 (VCV000573426.7), dbSNP rs755918287, ClinGen allele CA8255526.

ClinVar aggregate classification (germline): Uncertain significance. Review status: criteria provided, multiple submitters, no conflicts (2 of 4 stars). 2 submissions from 2 submitters: Uncertain significance (2). Last evaluated 2024-10-28.

Conditions:
Tyrosinase-positive oculocutaneous albinism (OCA2). Also called: Albinism, oculocutaneous, type II; Oculocutaneous albinism type 2; ALBINISM II. Identifiers: Orphanet 79432, MedGen C0268495, MONDO:0008746, OMIM 203200.
SKIN/HAIR/EYE PIGMENTATION, VARIATION IN, 2 (SHEP2). Also called: HAIR COLOR 2; RED HAIR COLOR; BLOND HAIR/FAIR SKIN. Identifiers: MedGen C1849452, OMIM 266300.
Increased analgesia from kappa-opioid receptor agonist, female-specific. Identifiers: MedGen C2751296, OMIM 613098.
Melanoma, cutaneous malignant, susceptibility to, 5. Also called: Cutaneous malignant melanoma 5. Identifiers: Orphanet 618, MedGen C2751295, MONDO:0013133, OMIM 613099.

Allele frequency attached by ClinVar (database versions not stated): TOPMed below 0.00001; ExAC 0.00002; gnomAD exomes 0.00003.

Submissions (2):

Labcorp Genetics (formerly Invitae), Labcorp
Classification: Uncertain significance for Melanoma, cutaneous malignant, susceptibility to, 5. Last evaluated: 2024-10-28. Review status: criteria provided, single submitter. Criteria: Invitae Variant Classification Sherloc (09022015). Collection method: clinical testing. Allele origin: germline.
Comment: This sequence change replaces methionine, which is neutral and non-polar, with isoleucine, which is neutral and non-polar, at codon 73 of the MC1R protein (p.Met73Ile). This variant is present in population databases (rs755918287, gnomAD 0.01%). This missense change has been observed in individual(s) with malignant melanoma, as well as in an unaffected control individual (PMID: 19269164). ClinVar contains an entry for this variant (Variation ID: 573426). Invitae Evidence Modeling of protein sequence and biophysical properties (such as structural, functional, and spatial information, amino acid conservation, physicochemical variation, residue mobility, and thermodynamic stability) indicates that this missense variant is not expected to disrupt MC1R protein function with a negative predictive value of 80%. In summary, the available evidence is currently insufficient to determine the role of this variant in disease. Therefore, it has been classified as a Variant of Uncertain Significance.

Fulgent Genetics
Classification: Uncertain significance for Tyrosinase-positive oculocutaneous albinism; SKIN/HAIR/EYE PIGMENTATION, VARIATION IN, 2; Increased analgesia from kappa-opioid receptor agonist, female-specific; Melanoma, cutaneous malignant, susceptibility to, 5. Last evaluated: 2024-02-22. Review status: criteria provided, single submitter. Criteria: ACMG Guidelines, 2015. Collection method: clinical testing. Allele origin: germline.

Literature cited by the submitters: PubMed 19269164 (cited by Labcorp Genetics (formerly Invitae), Labcorp).